The following is an entry in ClinVar:

ClinVar aggregate classification (germline): Uncertain significance. Review status: criteria provided, multiple submitters, no conflicts (2 of 4 stars). 2 submissions from 2 submitters: Uncertain significance (2). Last evaluated 2023-05-03.

Conditions:
HUWE1-related disorder. Also called: HUWE1-related condition.

Allele frequency attached by ClinVar (database versions not stated): gnomAD exomes below 0.00001; TOPMed below 0.00001; gnomAD 0.00001.
gnomAD v4.1: 4 of 1,181,752 alleles (0.00034%); highest among the groups gnomAD compares: Admixed American, 0.0046%; no homozygotes.

Submissions (2):

PreventionGenetics, part of Exact Sciences
Classification: Uncertain significance for HUWE1-related condition. Last evaluated: 2023-05-03. Review status: criteria provided, single submitter. Criteria: ACMG Guidelines, 2015. Collection method: clinical testing. Allele origin: germline.
Comment: The HUWE1 c.8882-3C>T variant is predicted to interfere with splicing. This variant is not predicted to have a significant impact on the splice acceptor site based on available splicing prediction programs (Alamut Visual Plus v1.6.1), however, such computer prediction programs are imperfect. To our knowledge, this variant has not been reported in the literature. This variant is reported in 0.0041% of alleles in individuals of Latino descent in gnomAD. While this variant may be benign, at this time, the clinical significance of this variant is uncertain due to the absence of conclusive functional and genetic evidence.

Labcorp Genetics (formerly Invitae), Labcorp
Classification: Uncertain significance. Last evaluated: 2022-07-09. Review status: criteria provided, single submitter. Criteria: Invitae Variant Classification Sherloc (09022015). Collection method: clinical testing. Allele origin: germline.
Comment: This sequence change falls in intron 63 of the HUWE1 gene. It does not directly change the encoded amino acid sequence of the HUWE1 protein. It affects a nucleotide within the consensus splice site. The frequency data for this variant in the population databases is considered unreliable, as metrics indicate poor data quality at this position in the gnomAD database. This variant has not been reported in the literature in individuals affected with HUWE1-related conditions. Variants that disrupt the consensus splice site are a relatively common cause of aberrant splicing (PMID: 17576681, 9536098). Algorithms developed to predict the effect of sequence changes on RNA splicing suggest that this variant is not likely to affect RNA splicing. In summary, the available evidence is currently insufficient to determine the role of this variant in disease. Therefore, it has been classified as a Variant of Uncertain Significance.

Literature cited by the submitters: PubMed 17576681 (cited by Labcorp Genetics (formerly Invitae), Labcorp); PubMed 9536098 (cited by Labcorp Genetics (formerly Invitae), Labcorp).

NM_031407.7(HUWE1):c.8882-3C>T

Gene: HUWE1 (HECT, UBA and WWE domain containing E3 ubiquitin protein ligase 1; minus strand). Cytogenetic location: Xp11.22.
Variant type: single nucleotide variant.
Coding change: c.8882-3C>T on transcript NM_031407.7 (MANE Select); 3 bases into the intron before coding-DNA position 8882, C replaced by T.
Molecular consequence: intron variant.
Genome position (GRCh38, 1-based): chrX:53,551,483, G>A on the plus strand (C>T on the coding strand, the complement: HUWE1 is on the minus strand). VCF-style: chrX-53551483-G-A. GRCh37 (hg19) VCF-style: chrX-53578444-G-A.
Other names: c.8882-3C>T (NM_031407.6).
Identifiers: ClinVar variation 2015522 (VCV002015522.5), dbSNP rs1244473360, ClinGen allele CA641904260.